The following is an entry in ClinVar:

ClinVar aggregate classification (germline): Uncertain significance (1 of 4 stars; one submission).

Conditions:
Cardiomyopathy (CMYO). Also called: Cardiomyopathies. Identifiers: Orphanet 167848, MedGen C0878544, MONDO:0004994, HP:0001638. Inheritance: Various modes of inheritance.

Submission:

Color Diagnostics, LLC DBA Color Health
Classification: Uncertain significance for Cardiomyopathy. Last evaluated: 2020-10-20. Review status: criteria provided, single submitter. Criteria: ACMG Guidelines, 2015. Collection method: clinical testing. Allele origin: germline.
Comment: This missense variant replaces arginine with serine at codon 395 of the PKP2 protein. Computational prediction suggests that this variant may not impact protein structure and function (internally defined REVEL score threshold <= 0.5, PMID: 27666373). To our knowledge, functional studies have not been reported for this variant. This variant has not been reported in individuals affected with cardiovascular disorders in the literature. This variant has not been identified in the general population by the Genome Aggregation Database (gnomAD). The available evidence is insufficient to determine the role of this variant in disease conclusively. Therefore, this variant is classified as a Variant of Uncertain Significance.

NM_001005242.3(PKP2):c.1183C>A (p.Arg395Ser)

Gene: PKP2 (plakophilin 2; minus strand). Cytogenetic location: 12p11.21.
Variant type: single nucleotide variant.
Coding change: c.1183C>A on transcript NM_001005242.3 (MANE Select); coding-DNA position 1183, C replaced by A.
Protein change: p.Arg395Ser; replaces arginine 395 with serine.
Molecular consequence: missense variant.
Genome position (GRCh38, 1-based): chr12:32,850,961, G>T on the plus strand (C>A on the coding strand, the complement: PKP2 is on the minus strand). VCF-style: chr12-32850961-G-T. GRCh37 (hg19) VCF-style: chr12-33003895-G-T.
Other names: c.1183C>A, p.Arg395Ser (NM_004572.4); short protein forms R395S.
Identifiers: ClinVar variation 927666 (VCV000927666.3), dbSNP rs761238380, ClinGen allele CA384371049.
Genomic context (GRCh38, chr12:32,850,961, plus strand): 5'-CAGCTCGCTGAACGTCTTCATTCTGAACTTTTAGGAGCTGCAGAAGCTTGAGGATGCCAC[G>T]AAGCTGGTTAACCTGGGGAAGAAGCAGATGCATATTTCTAATATTAATTTTGATGTGGCA-3'
Protein context (NP_001005242.2, residues 385-405): SEARKRVNQL[Arg395Ser]GILKLLQLLK